The following is an entry in ClinVar:

NM_176824.3(BBS7):c.1198G>A (p.Val400Ile)

Gene: BBS7 (Bardet-Biedl syndrome 7; minus strand). Cytogenetic location: 4q27.
Variant type: single nucleotide variant.
Coding change: c.1198G>A on transcript NM_176824.3 (MANE Select); coding-DNA position 1198, G replaced by A.
Protein change: p.Val400Ile; replaces valine 400 with isoleucine.
Molecular consequence: missense variant.
Genome position (GRCh38, 1-based): chr4:121,845,536, C>T on the plus strand (G>A on the coding strand, the complement: BBS7 is on the minus strand). VCF-style: chr4-121845536-C-T. GRCh37 (hg19) VCF-style: chr4-122766691-C-T.
Other names: c.1198G>A, p.Val400Ile (NM_018190.4); short protein forms V400I.
Identifiers: ClinVar variation 1983539 (VCV001983539.1), dbSNP rs750193367, ClinGen allele CA3064307.

ClinVar aggregate classification (germline): Uncertain significance (1 of 4 stars; one submission).

Conditions:
Bardet-Biedl syndrome (BBS). Identifiers: Orphanet 110, MedGen C0752166, MONDO:0015229.

Allele frequency attached by ClinVar (database versions not stated): gnomAD exomes below 0.00001; ExAC 0.00001.

Submission:

Labcorp Genetics (formerly Invitae), Labcorp
Classification: Uncertain significance for Bardet-Biedl syndrome. Last evaluated: 2022-06-14. Review status: criteria provided, single submitter. Criteria: Invitae Variant Classification Sherloc (09022015). Collection method: clinical testing. Allele origin: germline.
Comment: This sequence change replaces valine, which is neutral and non-polar, with isoleucine, which is neutral and non-polar, at codon 400 of the BBS7 protein (p.Val400Ile). This variant is present in population databases (rs750193367, gnomAD 0.006%). This variant has not been reported in the literature in individuals affected with BBS7-related conditions. Algorithms developed to predict the effect of missense changes on protein structure and function (SIFT, PolyPhen-2, Align-GVGD) all suggest that this variant is likely to be tolerated. In summary, the available evidence is currently insufficient to determine the role of this variant in disease. Therefore, it has been classified as a Variant of Uncertain Significance.